The following is an entry in ClinVar:

NM_001849.4(COL6A2):c.1167C>T (p.Ala389=)

Gene: COL6A2 (collagen type VI alpha 2 chain; plus strand). Cytogenetic location: 21q22.3.
Variant type: single nucleotide variant.
Coding change: c.1167C>T on transcript NM_001849.4 (MANE Select); coding-DNA position 1167, C replaced by T.
Protein change: p.Ala389=; no amino-acid change (alanine 389 retained).
Molecular consequence: synonymous variant.
Genome position (GRCh38, 1-based): chr21:46,118,664, C>T. VCF-style: chr21-46118664-C-T. GRCh37 (hg19) VCF-style: chr21-47538578-C-T.
Other names: c.1167C>T, p.Ala389= (NM_058174.3, NM_058175.3).
Identifiers: ClinVar variation 4873659 (VCV004873659.2).

ClinVar aggregate classification (germline): Likely benign (1 of 4 stars; one submission).

Submission:

CeGaT Center for Human Genetics Tuebingen
Classification: Likely benign. Last evaluated: 2026-05-01. Review status: criteria provided, single submitter. Criteria: CeGaT Center For Human Genetics Tuebingen Variant Classification Criteria Version 2. Collection method: clinical testing. Allele origin: germline. Affected: yes. Observed: 1 variant allele.
Comment: COL6A2: PM2:Supporting, BP4, BP7